The following is an entry in ClinVar:

NM_005188.4(CBL):c.2573C>T (p.Ser858Phe)

Gene: CBL (Cbl proto-oncogene; plus strand). Cytogenetic location: 11q23.3.
Variant type: single nucleotide variant.
Coding change: c.2573C>T on transcript NM_005188.4 (MANE Select); coding-DNA position 2573, C replaced by T.
Protein change: p.Ser858Phe; replaces serine 858 with phenylalanine.
Molecular consequence: missense variant.
Genome position (GRCh38, 1-based): chr11:119,299,633, C>T. VCF-style: chr11-119299633-C-T. GRCh37 (hg19) VCF-style: chr11-119170343-C-T.
Other names: short protein forms S858F.
Identifiers: ClinVar variation 1408127 (VCV001408127.8), dbSNP rs2135322201, ClinGen allele CA382932802.

ClinVar aggregate classification (germline): Uncertain significance (1 of 4 stars; one submission).

Conditions:
RASopathy. Also called: rasopathies; Noonan spectrum disorder. Identifiers: Orphanet 536391, MedGen C5555857, MONDO:0021060.

Allele frequency attached by ClinVar (database versions not stated): gnomAD exomes below 0.00001.
gnomAD v4.1: 1 of 1,614,228 alleles (0.000062%); highest among the groups gnomAD compares: Non-Finnish European, 0.000085%; no homozygotes.

Submission:

Labcorp Genetics (formerly Invitae), Labcorp
Classification: Uncertain significance for RASopathy. Last evaluated: 2025-04-17. Review status: criteria provided, single submitter. Criteria: Invitae Variant Classification Sherloc (09022015). Collection method: clinical testing. Allele origin: germline.
Comment: This sequence change replaces serine, which is neutral and polar, with phenylalanine, which is neutral and non-polar, at codon 858 of the CBL protein (p.Ser858Phe). This variant is not present in population databases (gnomAD no frequency). This variant has not been reported in the literature in individuals affected with CBL-related conditions. ClinVar contains an entry for this variant (Variation ID: 1408127). Invitae Evidence Modeling of protein sequence and biophysical properties (such as structural, functional, and spatial information, amino acid conservation, physicochemical variation, residue mobility, and thermodynamic stability) indicates that this missense variant is not expected to disrupt CBL protein function with a negative predictive value of 95%. In summary, the available evidence is currently insufficient to determine the role of this variant in disease. Therefore, it has been classified as a Variant of Uncertain Significance.